The following is an entry in ClinVar:

NM_001142800.2(EYS):c.1786T>C (p.Tyr596His)

Gene: EYS (EGF-like photoreceptor maintenance factor; minus strand). Cytogenetic location: 6q12.
Variant type: single nucleotide variant.
Coding change: c.1786T>C on transcript NM_001142800.2 (MANE Select); coding-DNA position 1786, T replaced by C.
Protein change: p.Tyr596His; replaces tyrosine 596 with histidine.
Molecular consequence: missense variant.
Genome position (GRCh38, 1-based): chr6:65,296,100, A>G on the plus strand (T>C on the coding strand, the complement: EYS is on the minus strand). VCF-style: chr6-65296100-A-G. GRCh37 (hg19) VCF-style: chr6-66005993-A-G.
Other names: c.1786T>C, p.Tyr596His (NM_001292009.2); short protein forms Y596H.
Identifiers: ClinVar variation 1053718 (VCV001053718.7), dbSNP rs1409350172, ClinGen allele CA364659827.

ClinVar aggregate classification (germline): Uncertain significance. Review status: criteria provided, single submitter (1 of 4 stars). 3 submissions from 3 submitters: Uncertain significance (1). 2 of the submissions do not count toward it. Last evaluated 2023-08-10.

Conditions:
Retinitis pigmentosa 25 (RP25). Identifiers: Orphanet 791, MedGen C1864446, MONDO:0011272, OMIM 602772.
Retinal dystrophy. Also called: Inherited retinal dystrophy. Identifiers: Orphanet 71862, MedGen C0854723, MeSH D058499, MONDO:0019118, HP:0000556.

Allele frequency attached by ClinVar (database versions not stated): gnomAD exomes below 0.00001.
gnomAD v4.1: 1 of 1,548,842 alleles (0.000065%); highest among the groups gnomAD compares: Admixed American, 0.002%; no homozygotes.

Submissions (3):

Labcorp Genetics (formerly Invitae), Labcorp
Classification: Uncertain significance. Last evaluated: 2023-08-10. Review status: criteria provided, single submitter. Criteria: Invitae Variant Classification Sherloc (09022015). Collection method: clinical testing. Allele origin: germline.
Comment: In summary, the available evidence is currently insufficient to determine the role of this variant in disease. Therefore, it has been classified as a Variant of Uncertain Significance. Algorithms developed to predict the effect of missense changes on protein structure and function output the following: SIFT: "Not Available"; PolyPhen-2: "Benign"; Align-GVGD: "Not Available". The histidine amino acid residue is found in multiple mammalian species, which suggests that this missense change does not adversely affect protein function. ClinVar contains an entry for this variant (Variation ID: 1053718). This variant has not been reported in the literature in individuals affected with EYS-related conditions. This variant is present in population databases (no rsID available, gnomAD 0.004%). This sequence change replaces tyrosine, which is neutral and polar, with histidine, which is basic and polar, at codon 596 of the EYS protein (p.Tyr596His).

Institute of Human Genetics, Univ. Regensburg, Univ. Regensburg
Classification: Uncertain significance for Retinal dystrophy. Last evaluated: 2023-01-01. Review status: no assertion criteria provided. Criteria: ACMG Guidelines, 2015. Collection method: clinical testing. Allele origin: germline. Affected: yes. Not counted in ClinVar's aggregate classification.

Natera, Inc.
Classification: Uncertain significance for Retinitis pigmentosa type 25. Last evaluated: 2021-10-04. Review status: no assertion criteria provided. Collection method: clinical testing. Allele origin: germline. Not counted in ClinVar's aggregate classification.